The following is an entry in ClinVar:

ClinVar aggregate classification (germline): Uncertain significance (1 of 4 stars; one submission).

Conditions:
Noonan syndrome 9 (NS9). Identifiers: Orphanet 648, MedGen C4225282, MONDO:0014691, OMIM 616559.

Submission:

Labcorp Genetics (formerly Invitae), Labcorp
Classification: Uncertain significance for Noonan syndrome 9. Last evaluated: 2025-01-15. Review status: criteria provided, single submitter. Criteria: Invitae Variant Classification Sherloc (09022015). Collection method: clinical testing. Allele origin: germline.
Comment: This sequence change replaces asparagine, which is neutral and polar, with histidine, which is basic and polar, at codon 1161 of the SOS2 protein (p.Asn1161His). This variant is not present in population databases (gnomAD no frequency). This variant has not been reported in the literature in individuals affected with SOS2-related conditions. Invitae Evidence Modeling of protein sequence and biophysical properties (such as structural, functional, and spatial information, amino acid conservation, physicochemical variation, residue mobility, and thermodynamic stability) indicates that this missense variant is not expected to disrupt SOS2 protein function with a negative predictive value of 95%. In summary, the available evidence is currently insufficient to determine the role of this variant in disease. Therefore, it has been classified as a Variant of Uncertain Significance.

NM_006939.4(SOS2):c.3481A>C (p.Asn1161His)

Gene: SOS2 (SOS Ras/Rho guanine nucleotide exchange factor 2; minus strand). Cytogenetic location: 14q21.3.
Variant type: single nucleotide variant.
Coding change: c.3481A>C on transcript NM_006939.4 (MANE Select); coding-DNA position 3481, A replaced by C.
Protein change: p.Asn1161His; replaces asparagine 1161 with histidine.
Molecular consequence: missense variant.
Genome position (GRCh38, 1-based): chr14:50,120,283, T>G on the plus strand (A>C on the coding strand, the complement: SOS2 is on the minus strand). VCF-style: chr14-50120283-T-G. GRCh37 (hg19) VCF-style: chr14-50587001-T-G.
Other names: c.3382A>C, p.Asn1128His (NM_001411020.1); short protein forms N1128H, N1161H.
Identifiers: ClinVar variation 3636083 (VCV003636083.2).